The following is an entry in ClinVar:

ClinVar aggregate classification (germline): Likely pathogenic (1 of 4 stars; one submission).

Conditions:
Aganglionic megacolon (HSCR). Also called: Hirschsprung's disease; Hirschsprung disease. Identifiers: Orphanet 388, MedGen C0019569, MeSH D006627, MONDO:0018309, HP:0002251.

Submission:

Rady Children's Institute for Genomic Medicine, Rady Children's Hospital San Diego
Classification: Likely pathogenic for Disease, Hirschsprung. Last evaluated: 2019-01-25. Review status: criteria provided, single submitter. Criteria: ACMG Guidelines, 2015. Collection method: clinical testing. Allele origin: germline. Affected: yes. Observed: 1 variant allele.
Comment: This variant is absent from the ExAC and gnomAD population databases and thus is presumed to be rare. The c.860G>T (p.Arg287Leu) variant is predicted by multiple in-silico tools to have a deleterious effect on protein function. A different missense change at this position, c.860G>A (p.Arg287Gln), was classified as pathogenic by another clinical lab in ClinVar (RCV000678744.1) and has also been reported in the literature in an individual with Hirschsprung Disease (PMID: 10664228). Based on the available evidence, the c.860G>T (p.Arg287Leu) variant is classified as likely pathogenic.

NM_020975.6(RET):c.860G>T (p.Arg287Leu)

Gene: RET (ret proto-oncogene; plus strand). Cytogenetic location: 10q11.21.
Variant type: single nucleotide variant.
Coding change: c.860G>T on transcript NM_020975.6 (MANE Select); coding-DNA position 860, G replaced by T.
Protein change: p.Arg287Leu; replaces arginine 287 with leucine.
Molecular consequence: missense variant.
Genome position (GRCh38, 1-based): chr10:43,105,186, G>T. VCF-style: chr10-43105186-G-T. GRCh37 (hg19) VCF-style: chr10-43600634-G-T.
Other names: c.860G>T, p.Arg287Leu (NM_000323.2, NM_001406743.1, NM_001406744.1 and 8 more transcripts); c.98G>T, p.Arg33Leu (NM_001355216.2); c.731G>T, p.Arg244Leu (NM_001406761.1, NM_001406762.1, NM_001406764.1 and 2 more transcripts); c.572G>T, p.Arg191Leu (NM_001406766.1, NM_001406767.1, NM_001406770.1); short protein forms R287L, R33L, R191L, R244L.
Identifiers: ClinVar variation 692071 (VCV000692071.3), dbSNP rs1564491460, ClinGen allele CA376545427.